The following is an entry in ClinVar:

ClinVar aggregate classification (germline): Uncertain significance (1 of 4 stars; one submission).

gnomAD v4.1: 2 of 1,611,594 alleles (0.00012%); highest among the groups gnomAD compares: Non-Finnish European, 0.00017%; no homozygotes.

Submission:

GeneDx
Classification: Uncertain significance. Last evaluated: 2025-07-27. Review status: criteria provided, single submitter. Criteria: GeneDx Variant Classification Process June 2021. Collection method: clinical testing. Allele origin: germline. Affected: yes.
Comment: Not observed at significant frequency in large population cohorts (gnomAD); In silico analysis suggests that this missense variant does not alter protein structure/function; Has not been previously published as pathogenic or benign to our knowledge

NM_006421.5(ARFGEF1):c.1034G>C (p.Gly345Ala)

Gene: ARFGEF1 (ARF guanine nucleotide exchange factor 1; minus strand). Cytogenetic location: 8q13.2.
Variant type: single nucleotide variant.
Coding change: c.1034G>C on transcript NM_006421.5 (MANE Select); coding-DNA position 1034, G replaced by C.
Protein change: p.Gly345Ala; replaces glycine 345 with alanine.
Molecular consequence: missense variant. On other transcripts: non-coding transcript variant (1), intron variant (1).
Genome position (GRCh38, 1-based): chr8:67,277,451, C>G on the plus strand (G>C on the coding strand, the complement: ARFGEF1 is on the minus strand). VCF-style: chr8-67277451-C-G. GRCh37 (hg19) VCF-style: chr8-68189686-C-G.
Other names: c.1034G>C, p.Gly345Ala (NM_001413184.1, NM_001413185.1, NM_001413186.1 and 7 more transcripts); c.434G>C, p.Gly145Ala (NM_001413188.1, NM_001413193.1, NM_001413197.1); c.-88-5515G>C (NM_001413196.1); short protein forms G145A, G345A.
Identifiers: ClinVar variation 4689949 (VCV004689949.1).